The following is an entry in ClinVar:

NM_017875.4(SLC25A38):c.832C>T (p.Arg278Ter)

Gene: SLC25A38 (solute carrier family 25 member 38; plus strand). Cytogenetic location: 3p22.1.
Variant type: single nucleotide variant.
Coding change: c.832C>T on transcript NM_017875.4 (MANE Select); coding-DNA position 832, C replaced by T.
Protein change: p.Arg278Ter; replaces arginine 278 with a stop codon.
Molecular consequence: nonsense. On other transcripts: missense variant (1).
Genome position (GRCh38, 1-based): chr3:39,396,437, C>T. VCF-style: chr3-39396437-C-T. GRCh37 (hg19) VCF-style: chr3-39437928-C-T.
Other names: c.665C>T, p.Pro222Leu (NM_001354798.2); short protein forms P222L, R278*.
Identifiers: ClinVar variation 1172490 (VCV001172490.5), dbSNP rs147431446, ClinGen allele CA2327564.

ClinVar aggregate classification (germline): Pathogenic/Likely pathogenic. Review status: criteria provided, multiple submitters, no conflicts (2 of 4 stars). 5 submissions from 5 submitters: Pathogenic (2); Likely pathogenic (3). Last evaluated 2025-03-19.

Conditions:
SLC25A38-related disorder. Also called: SLC25A38-related condition; SLC25A38-related disorders.
Sideroblastic anemia 2. Also called: Anemia, sideroblastic, 2, pyridoxine-refractory. Identifiers: Orphanet 260305, MedGen C4225425, MONDO:0008785, OMIM 205950.

Allele frequency attached by ClinVar (database versions not stated): gnomAD exomes 0.00003; TOPMed 0.00003; ExAC 0.00004; gnomAD 0.00004; 1000 Genomes Project 30x 0.00016; 1000 Genomes Project 0.00020; ESP Exome Variant Server 0.00023.
gnomAD v4.1: 19 of 1,614,056 alleles (0.0012%); highest among the groups gnomAD compares: African/African-American, 0.0093%; no homozygotes.

Submissions (5):

GeneDx
Classification: Likely pathogenic. Last evaluated: 2025-03-19. Review status: criteria provided, single submitter. Criteria: GeneDx Variant Classification Process June 2021. Collection method: clinical testing. Allele origin: germline. Affected: yes.
Comment: Nonsense variant predicted to result in protein truncation as the last 27 amino acid(s) are lost; Not observed at significant frequency in large population cohorts (gnomAD); This variant is associated with the following publications: (PMID: 33256393)

Clinical Genetics Laboratory, Skane University Hospital Lund
Classification: Likely pathogenic. Last evaluated: 2022-07-13. Review status: criteria provided, single submitter. Criteria: ACMG Guidelines, 2015. Collection method: clinical testing. Allele origin: germline. Affected: yes.

Johns Hopkins Genomics, Johns Hopkins University
Classification: Pathogenic for Sideroblastic anemia 2. Last evaluated: 2022-03-03. Review status: criteria provided, single submitter. Criteria: ACMG Guidelines, 2015. Collection method: clinical testing. Allele origin: germline.
Comment: This SLC25A38 variant (rs147431446) is rare (<0.1%) in a large population dataset (gnomAD: 9/282836 total alleles; 0.003%; no homozygotes) and has been reported in ClinVar. It has been reported in a homozygous state in three unrelated families with SIDBA2. In one case, homozygosity was the result of constitutional uniparental isodisomy. A different variant affecting the same nucleotide position (c.832C>G; p.Arg278Gly) has also been reported in a single individual with congenital sideroblastic anemia. This nonsense variant creates a premature termination codon in the last exon of the gene, likely escaping nonsense-mediated decay and resulting in a truncated protein product. We consider this variant to be pathogenic.

Mark Fleming Laboratory, Boston Children's Hospital
Classification: Pathogenic for Sideroblastic anemia 2. Last evaluated: 2021-06-01. Review status: criteria provided, single submitter. Criteria: ACMG Guidelines, 2015. Collection method: research. Allele origin: germline. Affected: yes.

Blueprint Genetics
Classification: Likely pathogenic for SLC25A38-related disorders. Last evaluated: 2019-11-04. Review status: criteria provided, single submitter. Criteria: ACMG Guidelines, 2015. Collection method: clinical testing. Allele origin: germline. Affected: yes. Observed: 1 variant allele.

Literature cited by the submitters: PubMed 19412178 (cited by Johns Hopkins Genomics, Johns Hopkins University and Mark Fleming Laboratory, Boston Children's Hospital); PubMed 30214775 (cited by Johns Hopkins Genomics, Johns Hopkins University); PubMed 33256393 (cited by Johns Hopkins Genomics, Johns Hopkins University and Mark Fleming Laboratory, Boston Children's Hospital); PubMed 34298585 (cited by Johns Hopkins Genomics, Johns Hopkins University); PubMed 31338833 (cited by Mark Fleming Laboratory, Boston Children's Hospital).